The following is an entry in ClinVar:

ClinVar aggregate classification (germline): Conflicting classifications of pathogenicity. Review status: criteria provided, conflicting classifications (1 of 4 stars). 9 submissions from 9 submitters: Uncertain significance (3); Benign (1); Likely benign (4). 1 of the submissions does not count toward it. Last evaluated 2026-04-07.

Conditions:
Cardiovascular phenotype. Identifiers: MedGen CN230736.
Arrhythmogenic cardiomyopathy with wooly hair and keratoderma. Also called: Carvajal syndrome; PALMOPLANTAR KERATODERMA WITH LEFT VENTRICULAR CARDIOMYOPATHY AND WOOLLY HAIR; Dilated cardiomyopathy with woolly hair and keratoderma; Arrhythmogenic cardiomyopathy with woolly hair and keratoderma. Identifiers: Orphanet 65282, MedGen C1854063, MONDO:0011581, OMIM 605676.
Arrhythmogenic right ventricular dysplasia 8 (ARVD8). Also called: Arrhythmogenic Right Ventricular Dysplasia/Cardiomyopathy 8; ARRHYTHMOGENIC RIGHT VENTRICULAR DYSPLASIA, FAMILIAL, 8; ARRHYTHMOGENIC RIGHT VENTRICULAR CARDIOMYOPATHY 8. Identifiers: MedGen C1843896, MONDO:0011831, OMIM 607450.
Cardiomyopathy (CMYO). Also called: Cardiomyopathies. Identifiers: Orphanet 167848, MedGen C0878544, MONDO:0004994, HP:0001638. Inheritance: Various modes of inheritance.
DSP-related disorder. Also called: DSP-related condition; DSP-related disorders.

Allele frequency attached by ClinVar (database versions not stated): gnomAD 0.00005 and 0.00006; gnomAD exomes 0.00005 and 0.00012; ExAC 0.00006; TOPMed 0.00007; ESP Exome Variant Server 0.00038.
gnomAD v4.1: 192 of 1,614,094 alleles (0.012%); highest among the groups gnomAD compares: Non-Finnish European, 0.015%; no homozygotes.

Submissions (9):

GeneDx
Classification: Uncertain significance. Last evaluated: 2026-04-07. Review status: criteria provided, single submitter. Criteria: GeneDx Variant Classification Process June 2021. Collection method: clinical testing. Allele origin: germline.
Comment: Has not been previously published as pathogenic or benign to our knowledge; In silico analysis supports a deleterious effect on splicing

Labcorp Genetics (formerly Invitae), Labcorp
Classification: Benign for Arrhythmogenic cardiomyopathy with wooly hair and keratoderma; Arrhythmogenic right ventricular dysplasia 8. Last evaluated: 2025-12-23. Review status: criteria provided, single submitter. Criteria: Invitae Variant Classification Sherloc (09022015). Collection method: clinical testing. Allele origin: germline.

Ambry Genetics
Classification: Uncertain significance for Cardiovascular phenotype. Last evaluated: 2025-05-09. Review status: criteria provided, single submitter. Criteria: Ambry Variant Classification Scheme 2023. Collection method: clinical testing. Allele origin: germline.
Comment: The c.174A>G variant (also known as p.Q58Q), located in coding exon 2 of the DSP gene, results from an A to G substitution at nucleotide position 174. This nucleotide substitution does not change the glutamine at codon 58. This nucleotide position is well conserved in available vertebrate species. In silico splice site analysis predicts that this alteration will result in the creation or strengthening of a novel splice acceptor site. Since supporting evidence is limited at this time, the clinical significance of this alteration remains unclear.

Women's Health and Genetics/Laboratory Corporation of America, LabCorp
Classification: Likely benign. Last evaluated: 2024-12-06. Review status: criteria provided, single submitter. Criteria: LabCorp Variant Classification Summary - May 2015. Collection method: clinical testing. Allele origin: germline.

Blueprint Genetics
Classification: Likely benign. Last evaluated: 2024-01-29. Review status: criteria provided, single submitter. Criteria: ACMG Guidelines, 2015. Collection method: clinical testing. Allele origin: germline.

Mayo Clinic Laboratories, Mayo Clinic
Classification: Uncertain significance. Last evaluated: 2022-02-15. Review status: criteria provided, single submitter. Criteria: ACMG Guidelines, 2015. Collection method: clinical testing. Allele origin: germline. Observed: 1 variant allele.

CHEO Genetics Diagnostic Laboratory, Children's Hospital of Eastern Ontario
Classification: Likely benign for Cardiomyopathy. Last evaluated: 2019-06-17. Review status: criteria provided, single submitter. Criteria: ACMG Guidelines, 2015. Collection method: clinical testing. Allele origin: germline.

Color Diagnostics, LLC DBA Color Health
Classification: Likely benign for Cardiomyopathy. Last evaluated: 2018-11-27. Review status: criteria provided, single submitter. Criteria: ACMG Guidelines, 2015. Collection method: clinical testing. Allele origin: germline.

PreventionGenetics, part of Exact Sciences
Classification: Likely benign for DSP-related condition. Last evaluated: 2019-04-04. Review status: no assertion criteria provided. Collection method: clinical testing. Allele origin: germline. Not counted in ClinVar's aggregate classification.
Comment: This variant is classified as likely benign based on ACMG/AMP sequence variant interpretation guidelines (Richards et al. 2015 PMID: 25741868, with internal and published modifications).

NM_004415.4(DSP):c.174A>G (p.Gln58=)

Gene: DSP (desmoplakin; plus strand). Cytogenetic location: 6p24.3.
Variant type: single nucleotide variant.
Coding change: c.174A>G on transcript NM_004415.4 (MANE Select); coding-DNA position 174, A replaced by G.
Protein change: p.Gln58=; no amino-acid change (glutamine 58 retained).
Molecular consequence: synonymous variant.
Genome position (GRCh38, 1-based): chr6:7,555,721, A>G. VCF-style: chr6-7555721-A-G. GRCh37 (hg19) VCF-style: chr6-7555954-A-G.
Other names: p.Gln58=; c.174A>G, p.Gln58= (NM_001008844.3, NM_001319034.2); c.174A>G (NM_004415.3).
Identifiers: ClinVar variation 925417 (VCV000925417.20), dbSNP rs140384933, ClinGen allele CA029968.